The following is an entry in ClinVar:

NM_000094.4(COL7A1):c.4007dup (p.Asp1336fs)

Gene: COL7A1 (collagen type VII alpha 1 chain; minus strand). Cytogenetic location: 3p21.31.
Variant type: Duplication.
Coding change: c.4007dup on transcript NM_000094.4 (MANE Select); coding-DNA position 4007, one base duplicated (A; older notation c.4007dupA).
Protein change: p.Asp1336fs; shifts the reading frame from aspartic acid 1336.
Molecular consequence: frameshift variant.
Genome position (GRCh38, 1-based): chr3:48,584,914, T duplicated on the plus strand (A on the coding strand, the reverse complement: COL7A1 is on the minus strand). VCF-style (leftmost placement, unchanged base first): chr3-48584913-G-GT. GRCh37 (hg19) VCF-style: chr3-48622346-G-GT.
Other names: short protein forms D1336fs.
Identifiers: ClinVar variation 4065160 (VCV004065160.2).

ClinVar aggregate classification (germline): Likely pathogenic (1 of 4 stars; one submission).

Conditions:
Epidermolysis bullosa dystrophica. Also called: Dystrophic epidermolysis bullosa, Hallopeau-Siemens type (formerly); Dystrophic epidermolysis bullosa. Identifiers: Orphanet 303, MedGen C0079294, MONDO:0006543.

Submission:

Natera, Inc.
Classification: Likely pathogenic for Dystrophic epidermolysis bullosa. Last evaluated: 2025-05-02. Review status: criteria provided, single submitter. Criteria: Natera Variant Classification Schema (03/2026). Collection method: clinical testing. Allele origin: germline.
Comment: The c.4007dup variant in COL7A1 is a frameshift variant predicted to shift the reading frame beginning at codon 1336 and leads to a stop codon 24 codons downstream. This variant is expected to result in nonsense mediated decay, truncation, or a dysfunctional protein product. This variant is rare in the general population with a frequency below the threshold expected for the associated phenotype(s). Given the available evidence, this variant is classified as Likely Pathogenic.